The following is an entry in ClinVar:

NM_005560.6(LAMA5):c.8822C>G (p.Thr2941Arg)

Gene: LAMA5 (laminin subunit alpha 5; minus strand). Cytogenetic location: 20q13.33.
Variant type: single nucleotide variant.
Coding change: c.8822C>G on transcript NM_005560.6 (MANE Select); coding-DNA position 8822, C replaced by G.
Protein change: p.Thr2941Arg; replaces threonine 2941 with arginine.
Molecular consequence: missense variant.
Genome position (GRCh38, 1-based): chr20:62,313,221, G>C on the plus strand (C>G on the coding strand, the complement: LAMA5 is on the minus strand). VCF-style: chr20-62313221-G-C. GRCh37 (hg19) VCF-style: chr20-60888277-G-C.
Other names: short protein forms T2941R.
Identifiers: ClinVar variation 2114921 (VCV002114921.4), dbSNP rs749776346, ClinGen allele CA409543706.
Genomic context (GRCh38, chr20:62,313,221, plus strand): 5'-CTGATCTGACTGTCGAAGCTGATGCGGGCGAAGCCGGTGCCGTCCAGGTAGGAGCCGTCC[G>C]TGAGCCACGGGTCCCCGGTCGACTTGGAGCTGCAGGTCGGAGATTCTGGGGTCAGCGGAG-3'
Protein context (NP_005551.3, residues 2931-2951): RSKSTGDPWL[Thr2941Arg]DGSYLDGTGF

ClinVar aggregate classification (germline): Uncertain significance (1 of 4 stars; one submission).

Submission:

Labcorp Genetics (formerly Invitae), Labcorp
Classification: Uncertain significance. Last evaluated: 2025-10-21. Review status: criteria provided, single submitter. Criteria: Invitae Variant Classification Sherloc (09022015). Collection method: clinical testing. Allele origin: germline.
Comment: This sequence change replaces threonine, which is neutral and polar, with arginine, which is basic and polar, at codon 2941 of the LAMA5 protein (p.Thr2941Arg). This variant is not present in population databases (gnomAD no frequency). This variant has not been reported in the literature in individuals affected with LAMA5-related conditions. ClinVar contains an entry for this variant (Variation ID: 2114921). Invitae Evidence Modeling of protein sequence and biophysical properties (such as structural, functional, and spatial information, amino acid conservation, physicochemical variation, residue mobility, and thermodynamic stability) indicates that this missense variant is not expected to disrupt LAMA5 protein function with a negative predictive value of 80%. In summary, the available evidence is currently insufficient to determine the role of this variant in disease. Therefore, it has been classified as a Variant of Uncertain Significance.